The following is an entry in ClinVar:

NM_177438.3(DICER1):c.5605C>T (p.Pro1869Ser)

Gene: DICER1 (dicer 1, ribonuclease III; minus strand). Cytogenetic location: 14q32.13.
Variant type: single nucleotide variant.
Coding change: c.5605C>T on transcript NM_177438.3 (MANE Select); coding-DNA position 5605, C replaced by T.
Protein change: p.Pro1869Ser; replaces proline 1869 with serine.
Molecular consequence: missense variant. On other transcripts: non-coding transcript variant (6), synonymous variant (1).
Genome position (GRCh38, 1-based): chr14:95,090,662, G>A on the plus strand (C>T on the coding strand, the complement: DICER1 is on the minus strand). VCF-style: chr14-95090662-G-A. GRCh37 (hg19) VCF-style: chr14-95556999-G-A.
Other names: c.5605C>T, p.Pro1869Ser (NM_001395677.1, NM_001395678.1, NM_001395679.1 and 8 more transcripts); c.5323C>T, p.Pro1775Ser (NM_001395686.1); c.5200C>T, p.Pro1734Ser (NM_001395687.1, NM_001395688.1, NM_001395689.1 and 1 more transcripts); c.5038C>T, p.Pro1680Ser (NM_001395691.1); c.3922C>T, p.Pro1308Ser (NM_001395697.1); c.5442C>T, p.Ala1814= (NM_001195573.1); short protein forms P1308S, P1775S, P1680S, P1734S, P1869S.
Identifiers: ClinVar variation 1951393 (VCV001951393.6), dbSNP rs2542392341, ClinGen allele CA390863843.
Genomic context (GRCh38, chr14:95,090,662, plus strand): 5'-TCCCCTTTCCTACTACTTCCACAGTGACTCTGACCTTCCCGTCGTAAGTTCTCTCAGCCG[G>A]GCTGTAAAAAATCCAAACAGCTTGAATTAGAAGTCAGAAGTATTTATTATCATTGTCAAT-3'
Protein context (NP_803187.1, residues 1859-1879): EMEPETAKFS[Pro1869Ser]AERTYDGKVR

ClinVar aggregate classification (germline): Uncertain significance. Review status: criteria provided, multiple submitters, no conflicts (2 of 4 stars). 2 submissions from 2 submitters: Uncertain significance (2). Last evaluated 2024-01-30.

Conditions:
DICER1-related tumor predisposition. Also called: DICER1-related pleuropulmonary blastoma cancer predisposition syndrome; DICER1 syndrome. Identifiers: Orphanet 284343, MedGen C3839822, MONDO:0100216.
Hereditary cancer-predisposing syndrome. Also called: Tumor predisposition; Hereditary neoplastic syndrome; Hereditary Cancer Syndrome; Neoplastic Syndromes, Hereditary. Identifiers: Orphanet 140162, MedGen C0027672, MeSH D009386, MONDO:0015356.

Submissions (2):

Ambry Genetics
Classification: Uncertain significance for Hereditary cancer-predisposing syndrome. Last evaluated: 2024-01-30. Review status: criteria provided, single submitter. Criteria: Ambry Variant Classification Scheme 2023. Collection method: clinical testing. Allele origin: germline.
Comment: The p.P1869S variant (also known as c.5605C>T), located in coding exon 26 of the DICER1 gene, results from a C to T substitution at nucleotide position 5605. The proline at codon 1869 is replaced by serine, an amino acid with similar properties. This amino acid position is conserved. In addition, this alteration is predicted to be deleterious by in silico analysis. Based on the available evidence, the clinical significance of this alteration remains unclear.

Labcorp Genetics (formerly Invitae), Labcorp
Classification: Uncertain significance for DICER1-related tumor predisposition. Last evaluated: 2022-12-13. Review status: criteria provided, single submitter. Criteria: Invitae Variant Classification Sherloc (09022015). Collection method: clinical testing. Allele origin: germline.
Comment: In summary, the available evidence is currently insufficient to determine the role of this variant in disease. Therefore, it has been classified as a Variant of Uncertain Significance. Algorithms developed to predict the effect of missense changes on protein structure and function are either unavailable or do not agree on the potential impact of this missense change (SIFT: "Tolerated"; PolyPhen-2: "Possibly Damaging"; Align-GVGD: "Class C0"). This variant has not been reported in the literature in individuals affected with DICER1-related conditions. This variant is not present in population databases (gnomAD no frequency). This sequence change replaces proline, which is neutral and non-polar, with serine, which is neutral and polar, at codon 1869 of the DICER1 protein (p.Pro1869Ser).